The following is an entry in ClinVar:

NM_001242896.3(DEPDC5):c.1384T>C (p.Tyr462His)

Gene: DEPDC5 (DEP domain containing 5, GATOR1 subcomplex subunit; plus strand). Cytogenetic location: 22q12.3.
Variant type: single nucleotide variant.
Coding change: c.1384T>C on transcript NM_001242896.3 (MANE Select); coding-DNA position 1384, T replaced by C.
Protein change: p.Tyr462His; replaces tyrosine 462 with histidine.
Molecular consequence: missense variant. On other transcripts: non-coding transcript variant (5).
Genome position (GRCh38, 1-based): chr22:31,810,580, T>C. VCF-style: chr22-31810580-T-C. GRCh37 (hg19) VCF-style: chr22-32206566-T-C.
Other names: c.1384T>C, p.Tyr462His (NM_001007188.4, NM_001136029.4, NM_001242897.2 and 7 more transcripts); c.1300T>C, p.Tyr434His (NM_001369901.1, NM_001369902.1); short protein forms Y462H, Y434H.
Identifiers: ClinVar variation 1491851 (VCV001491851.8), dbSNP rs2148707527, ClinGen allele CA411276874.

ClinVar aggregate classification (germline): Uncertain significance (1 of 4 stars; one submission).

Conditions:
Familial focal epilepsy with variable foci (FPEVF). Identifiers: Orphanet 98820, MedGen C1858477, MONDO:0020310.

gnomAD v4.1: 3 of 1,614,210 alleles (0.00019%); highest among the groups gnomAD compares: Non-Finnish European, 0.00025%; no homozygotes.

Submission:

Labcorp Genetics (formerly Invitae), Labcorp
Classification: Uncertain significance for Familial focal epilepsy with variable foci. Last evaluated: 2025-12-06. Review status: criteria provided, single submitter. Criteria: Invitae Variant Classification Sherloc (09022015). Collection method: clinical testing. Allele origin: germline.
Comment: This sequence change replaces tyrosine, which is neutral and polar, with histidine, which is basic and polar, at codon 462 of the DEPDC5 protein (p.Tyr462His). This variant is not present in population databases (gnomAD no frequency). This variant has not been reported in the literature in individuals affected with DEPDC5-related conditions. ClinVar contains an entry for this variant (Variation ID: 1491851). Experimental studies and prediction algorithms are not available or were not evaluated, and the functional significance of this variant is currently unknown. In summary, the available evidence is currently insufficient to determine the role of this variant in disease. Therefore, it has been classified as a Variant of Uncertain Significance.